The following is an entry in ClinVar:

NM_020923.3(ZDBF2):c.6694G>T (p.Val2232Phe)

Gene: ZDBF2 (zinc finger DBF-type containing 2; plus strand). Cytogenetic location: 2q33.3.
Variant type: single nucleotide variant.
Coding change: c.6694G>T on transcript NM_020923.3 (MANE Select); coding-DNA position 6694, G replaced by T.
Protein change: p.Val2232Phe; replaces valine 2232 with phenylalanine.
Molecular consequence: missense variant.
Genome position (GRCh38, 1-based): chr2:206,311,222, G>T. VCF-style: chr2-206311222-G-T. GRCh37 (hg19) VCF-style: chr2-207175946-G-T.
Other names: c.6688G>T, p.Val2230Phe (NM_001285549.2); c.6694G>T, p.Val2232Phe (NM_001369654.1); short protein forms V2230F, V2232F.
Identifiers: ClinVar variation 2235953 (VCV002235953.3), dbSNP rs1209679167, ClinGen allele CA350080068.

ClinVar aggregate classification (germline): Uncertain significance. Review status: criteria provided, multiple submitters, no conflicts (2 of 4 stars). 2 submissions from 2 submitters: Uncertain significance (2). Last evaluated 2025-04-14.

Allele frequency attached by ClinVar (database versions not stated): TOPMed 0.00001.
gnomAD v4.1: 3 of 1,611,706 alleles (0.00019%); highest among the groups gnomAD compares: Non-Finnish European, 0.00025%; no homozygotes.

Submissions (2):

Labcorp Genetics (formerly Invitae), Labcorp
Classification: Uncertain significance. Last evaluated: 2025-04-14. Review status: criteria provided, single submitter. Criteria: Invitae Variant Classification Sherloc (09022015). Collection method: clinical testing. Allele origin: germline.
Comment: This sequence change replaces valine, which is neutral and non-polar, with phenylalanine, which is neutral and non-polar, at codon 2232 of the ZDBF2 protein (p.Val2232Phe). This variant is not present in population databases (gnomAD no frequency). This variant has not been reported in the literature in individuals affected with ZDBF2-related conditions. ClinVar contains an entry for this variant (Variation ID: 2235953). An algorithm developed to predict the effect of missense changes on protein structure and function (PolyPhen-2) suggests that this variant is likely to be tolerated. In summary, the available evidence is currently insufficient to determine the role of this variant in disease. Therefore, it has been classified as a Variant of Uncertain Significance.

Ambry Genetics
Classification: Uncertain significance. Last evaluated: 2021-07-09. Review status: criteria provided, single submitter. Criteria: Ambry Variant Classification Scheme 2023. Collection method: clinical testing. Allele origin: germline.